The following is an entry in ClinVar:

ClinVar aggregate classification (germline): Uncertain significance. Review status: criteria provided, multiple submitters, no conflicts (2 of 4 stars). 3 submissions from 3 submitters: Uncertain significance (3). Last evaluated 2025-03-27.

Conditions:
Congenital myasthenic syndrome 9. Also called: Myasthenic syndrome, congenital, 9, associated with acetylcholine receptor deficiency. Identifiers: Orphanet 590, MedGen C4225368, MONDO:0014587, OMIM 616325.
Fetal akinesia deformation sequence 1 (FADS1). Also called: Pena-Shokeir syndrome type I; Fetal akinesia sequence. Identifiers: Orphanet 994, MedGen C1276035, MONDO:0100101, OMIM 208150, HP:0001989.
MUSK-related disorder. Also called: MUSK-related disorders; MUSK-related condition.

Submissions (3):

PreventionGenetics, part of Exact Sciences
Classification: Uncertain significance for MUSK-related condition. Last evaluated: 2025-03-27. Review status: criteria provided, single submitter. Criteria: ACMG Guidelines, 2015. Collection method: clinical testing. Allele origin: germline.
Comment: The MUSK c.1753G>C variant is predicted to result in the amino acid substitution p.Ala585Pro. To our knowledge, this variant has not been reported in the literature or in a large population database (gnomAD), indicating this variant is rare. At this time, the clinical significance of this variant is uncertain due to the absence of conclusive functional and genetic evidence.

Labcorp Genetics (formerly Invitae), Labcorp
Classification: Uncertain significance for Congenital myasthenic syndrome 9; Fetal akinesia deformation sequence 1. Last evaluated: 2021-08-26. Review status: criteria provided, single submitter. Criteria: Invitae Variant Classification Sherloc (09022015). Collection method: clinical testing. Allele origin: germline.
Comment: This sequence change replaces alanine with proline at codon 585 of the MUSK protein (p.Ala585Pro). The alanine residue is highly conserved and there is a small physicochemical difference between alanine and proline. This variant is not present in population databases (ExAC no frequency). This variant has not been reported in the literature in individuals affected with MUSK-related conditions. Algorithms developed to predict the effect of missense changes on protein structure and function (SIFT, PolyPhen-2, Align-GVGD) all suggest that this variant is likely to be disruptive. In summary, the available evidence is currently insufficient to determine the role of this variant in disease. Therefore, it has been classified as a Variant of Uncertain Significance.

Baylor Genetics
Classification: Uncertain significance for Fetal akinesia deformation sequence 1. Last evaluated: 2020-02-07. Review status: criteria provided, single submitter. Criteria: ACMG Guidelines, 2015. Collection method: clinical testing. Allele origin: unknown. Affected: yes.
Comment: This variant was determined to be of uncertain significance according to ACMG Guidelines, 2015 [PMID:25741868].

NM_005592.4(MUSK):c.1753G>C (p.Ala585Pro)

Gene: MUSK (muscle associated receptor tyrosine kinase; plus strand). Cytogenetic location: 9q31.3.
Variant type: single nucleotide variant.
Coding change: c.1753G>C on transcript NM_005592.4 (MANE Select); coding-DNA position 1753, G replaced by C.
Protein change: p.Ala585Pro; replaces alanine 585 with proline.
Molecular consequence: missense variant.
Genome position (GRCh38, 1-based): chr9:110,785,693, G>C. VCF-style: chr9-110785693-G-C. GRCh37 (hg19) VCF-style: chr9-113547973-G-C.
Other names: c.1495G>C, p.Ala499Pro (NM_001166280.2); c.1465G>C, p.Ala489Pro (NM_001166281.2); c.493G>C, p.Ala165Pro (NM_001369398.1); short protein forms A165P, A585P, A489P, A499P.
Identifiers: ClinVar variation 959708 (VCV000959708.9), dbSNP rs779231840, ClinGen allele CA374475956.